The following is an entry in ClinVar:

ClinVar aggregate classification (germline): Uncertain significance. Review status: criteria provided, multiple submitters, no conflicts (2 of 4 stars). 2 submissions from 2 submitters: Uncertain significance (2). Last evaluated 2022-09-27.

Conditions:
Abetalipoproteinaemia (ABL). Also called: MTP DEFICIENCY; Abetalipoproteinemia; Abetalipoproteinemia neuropathy; Apolipoprotein B deficiency; Congenital betalipoprotein deficiency syndrome. Identifiers: Orphanet 14, MedGen C0000744, MONDO:0008692, OMIM 200100, HP:0008181.

Allele frequency attached by ClinVar (database versions not stated): ExAC 0.00001; TOPMed 0.00001.
gnomAD v4.1: 91 of 1,613,818 alleles (0.0056%); highest among the groups gnomAD compares: Non-Finnish European, 0.0076%; no homozygotes.

Submissions (2):

Labcorp Genetics (formerly Invitae), Labcorp
Classification: Uncertain significance. Last evaluated: 2022-09-27. Review status: criteria provided, single submitter. Criteria: Invitae Variant Classification Sherloc (09022015). Collection method: clinical testing. Allele origin: germline.
Comment: This sequence change replaces isoleucine, which is neutral and non-polar, with threonine, which is neutral and polar, at codon 732 of the MTTP protein (p.Ile732Thr). This variant is present in population databases (rs767606327, gnomAD 0.003%). This variant has not been reported in the literature in individuals affected with MTTP-related conditions. ClinVar contains an entry for this variant (Variation ID: 900116). Advanced modeling of protein sequence and biophysical properties (such as structural, functional, and spatial information, amino acid conservation, physicochemical variation, residue mobility, and thermodynamic stability) performed at Invitae indicates that this missense variant is not expected to disrupt MTTP protein function. In summary, the available evidence is currently insufficient to determine the role of this variant in disease. Therefore, it has been classified as a Variant of Uncertain Significance.

Illumina Laboratory Services, Illumina
Classification: Uncertain significance for Abetalipoproteinaemia. Last evaluated: 2018-01-13. Review status: criteria provided, single submitter. Criteria: ICSL Variant Classification Criteria 13 December 2019. Collection method: clinical testing. Allele origin: germline.

NM_001386140.1(MTTP):c.2195T>C (p.Ile732Thr)

Gene: MTTP (microsomal triglyceride transfer protein; plus strand). Cytogenetic location: 4q23.
Variant type: single nucleotide variant.
Coding change: c.2195T>C on transcript NM_001386140.1 (MANE Select); coding-DNA position 2195, T replaced by C.
Protein change: p.Ile732Thr; replaces isoleucine 732 with threonine.
Molecular consequence: missense variant.
Genome position (GRCh38, 1-based): chr4:99,613,118, T>C. VCF-style: chr4-99613118-T-C. GRCh37 (hg19) VCF-style: chr4-100534275-T-C.
Other names: c.2195T>C, p.Ile732Thr (NM_000253.4); c.1946T>C, p.Ile649Thr (NM_001300785.2); short protein forms I732T, I649T.
Identifiers: ClinVar variation 900116 (VCV000900116.5), dbSNP rs767606327, ClinGen allele CA3022303.